The following is an entry in ClinVar:

ClinVar aggregate classification (germline): Uncertain significance. Review status: criteria provided, multiple submitters, no conflicts (2 of 4 stars). 5 submissions from 5 submitters: Uncertain significance (5). Last evaluated 2025-01-06.

Conditions:
MHC class II deficiency. Also called: Bare lymphocyte syndrome 2; BLS, TYPE II. Identifiers: Orphanet 572, MedGen C5447452, MONDO:0008855.

Allele frequency attached by ClinVar (database versions not stated): 1000 Genomes Project 30x 0.00016; 1000 Genomes Project 0.00020; ExAC 0.00033; gnomAD exomes 0.00036 and 0.00079; TOPMed 0.00042; gnomAD 0.00045; ESP Exome Variant Server 0.00062.

Submissions (5):

Labcorp Genetics (formerly Invitae), Labcorp
Classification: Uncertain significance for MHC class II deficiency. Last evaluated: 2025-01-06. Review status: criteria provided, single submitter. Criteria: Invitae Variant Classification Sherloc (09022015). Collection method: clinical testing. Allele origin: germline.
Comment: This sequence change replaces serine, which is neutral and polar, with proline, which is neutral and non-polar, at codon 347 of the RFX5 protein (p.Ser347Pro). This variant is present in population databases (rs199761884, gnomAD 0.07%). This variant has not been reported in the literature in individuals affected with RFX5-related conditions. ClinVar contains an entry for this variant (Variation ID: 538588). An algorithm developed to predict the effect of missense changes on protein structure and function (PolyPhen-2) suggests that this variant is likely to be disruptive. In summary, the available evidence is currently insufficient to determine the role of this variant in disease. Therefore, it has been classified as a Variant of Uncertain Significance.

Blueprint Genetics
Classification: Uncertain significance. Last evaluated: 2024-10-08. Review status: criteria provided, single submitter. Criteria: ACMG Guidelines, 2015. Collection method: clinical testing. Allele origin: germline.

Genome-Nilou Lab
Classification: Uncertain significance for MHC class II deficiency 1. Last evaluated: 2023-04-11. Review status: criteria provided, single submitter. Criteria: ACMG Guidelines, 2015. Collection method: clinical testing. Allele origin: germline. Affected: no.

Ambry Genetics
Classification: Uncertain significance. Last evaluated: 2021-09-01. Review status: criteria provided, single submitter. Criteria: Ambry Variant Classification Scheme 2023. Collection method: clinical testing. Allele origin: germline.

Illumina Laboratory Services, Illumina
Classification: Uncertain significance for MHC class II deficiency 1. Last evaluated: 2018-01-12. Review status: criteria provided, single submitter. Criteria: ICSL Variant Classification Criteria 13 December 2019. Collection method: clinical testing. Allele origin: germline.

NM_001025603.2(RFX5):c.1039T>C (p.Ser347Pro)

Gene: RFX5 (regulatory factor X5; minus strand). Cytogenetic location: 1q21.3.
Variant type: single nucleotide variant.
Coding change: c.1039T>C on transcript NM_001025603.2 (MANE Select); coding-DNA position 1039, T replaced by C.
Protein change: p.Ser347Pro; replaces serine 347 with proline.
Molecular consequence: missense variant.
Genome position (GRCh38, 1-based): chr1:151,342,998, A>G on the plus strand (T>C on the coding strand, the complement: RFX5 is on the minus strand). VCF-style: chr1-151342998-A-G. GRCh37 (hg19) VCF-style: chr1-151315474-A-G.
Other names: c.1039T>C, p.Ser347Pro (NM_000449.4, NM_001379412.1, NM_001379413.1 and 5 more transcripts); c.919T>C, p.Ser307Pro (NM_001379419.1, NM_001379420.1); short protein forms S347P, S307P.
Identifiers: ClinVar variation 538588 (VCV000538588.15), dbSNP rs199761884, ClinGen allele CA1089677.